The following is an entry in ClinVar:

NM_001082538.3(TCTN1):c.1635+165C>T

Gene: TCTN1 (tectonic family member 1; plus strand). Cytogenetic location: 12q24.11.
Variant type: single nucleotide variant.
Coding change: c.1635+165C>T on transcript NM_001082538.3 (MANE Select); 165 bases into the intron after coding-DNA position 1635, C replaced by T.
Molecular consequence: intron variant.
Genome position (GRCh38, 1-based): chr12:110,647,501, C>T. VCF-style: chr12-110647501-C-T. GRCh37 (hg19) VCF-style: chr12-111085306-C-T.
Other names: c.1452+165C>T (NM_001173975.3); c.1308+165C>T (NM_001173976.2); c.1086+165C>T (NM_001319681.2); c.1578+165C>T (NM_024549.6); c.1620+165C>T (NM_001082537.3); c.1473+165C>T (NM_001319680.2).
Identifiers: ClinVar variation 673155 (VCV000673155.2), dbSNP rs77123937, ClinGen allele CA243537979.

ClinVar aggregate classification (germline): Likely benign. Review status: criteria provided, multiple submitters, no conflicts (2 of 4 stars). 2 submissions from 2 submitters: Likely benign (2). Last evaluated 2018-06-19.

Allele frequency attached by ClinVar (database versions not stated): 1000 Genomes Project 0.00339; 1000 Genomes Project 30x 0.00344; TOPMed 0.00598; gnomAD 0.00693 and 0.00696; gnomAD exomes 0.00912.
gnomAD v4.1: 8,985 of 1,036,772 alleles (0.87%); highest among the groups gnomAD compares: Non-Finnish European, 1%; 36 homozygotes.

Submissions (2):

GeneDx
Classification: Likely benign. Last evaluated: 2018-06-19. Review status: criteria provided, single submitter. Criteria: GeneDx Variant Classification (06012015). Collection method: clinical testing. Allele origin: germline. Affected: yes.
Comment: This variant is considered likely benign or benign based on one or more of the following criteria: it is a conservative change, it occurs at a poorly conserved position in the protein, it is predicted to be benign by multiple in silico algorithms, and/or has population frequency not consistent with disease.

Breakthrough Genomics
Classification: Likely benign. Review status: criteria provided, single submitter. Criteria: ACMG Guidelines, 2015. Collection method: not provided. Allele origin: germline. Inheritance: Autosomal recessive inheritance. Affected: yes.